The following is an entry in ClinVar:

NM_024675.4(PALB2):c.3003del (p.Glu1002fs)

Gene: PALB2 (partner and localizer of BRCA2; minus strand). Cytogenetic location: 16p12.2.
Variant type: Deletion.
Coding change: c.3003del on transcript NM_024675.4 (MANE Select); coding-DNA position 3003, one base deleted (A; older notation c.3003delA).
Protein change: p.Glu1002fs; shifts the reading frame from glutamic acid 1002.
Molecular consequence: frameshift variant.
Genome position (GRCh38, 1-based): chr16:23,621,472, T deleted on the plus strand (A on the coding strand, the reverse complement: PALB2 is on the minus strand); the first of 3 consecutive T bases (chr16:23,621,472-23,621,474); deleting any one gives the same sequence. VCF-style (leftmost placement, unchanged base first): chr16-23621471-CT-C. GRCh37 (hg19) VCF-style: chr16-23632792-CT-C.
Other names: short protein forms E1002fs.
Identifiers: ClinVar variation 1798719 (VCV001798719.6), dbSNP rs2506320907, ClinGen allele CA2580091341.

ClinVar aggregate classification (germline): Pathogenic. Review status: criteria provided, multiple submitters, no conflicts (2 of 4 stars). 2 submissions from 2 submitters: Pathogenic (2). Last evaluated 2024-11-25.

Conditions:
Hereditary cancer-predisposing syndrome. Also called: Neoplastic Syndromes, Hereditary; Tumor predisposition; Hereditary Cancer Syndrome; Hereditary neoplastic syndrome. Identifiers: Orphanet 140162, MedGen C0027672, MeSH D009386, MONDO:0015356.
Familial cancer of breast. Also called: BREAST CANCER, FAMILIAL; Hereditary breast cancer; hereditary breast carcinoma. Identifiers: Orphanet 227535, MedGen C0346153, MONDO:0016419, OMIM 114480. Disease mechanism: loss of function.

Submissions (2):

Ambry Genetics
Classification: Pathogenic for Hereditary cancer-predisposing syndrome. Last evaluated: 2024-11-25. Review status: criteria provided, single submitter. Criteria: Ambry Variant Classification Scheme 2023. Collection method: clinical testing. Allele origin: germline.
Comment: The c.3003delA pathogenic mutation, located in coding exon 10 of the PALB2 gene, results from a deletion of one nucleotide at nucleotide position 3003, causing a translational frameshift with a predicted alternate stop codon (p.E1002Kfs*5). This alteration is expected to result in loss of function by premature protein truncation or nonsense-mediated mRNA decay. As such, this alteration is interpreted as a disease-causing mutation.

Labcorp Genetics (formerly Invitae), Labcorp
Classification: Pathogenic for Familial cancer of breast. Last evaluated: 2023-08-22. Review status: criteria provided, single submitter. Criteria: Invitae Variant Classification Sherloc (09022015). Collection method: clinical testing. Allele origin: germline.
Comment: For these reasons, this variant has been classified as Pathogenic. ClinVar contains an entry for this variant (Variation ID: 1798719). This variant has not been reported in the literature in individuals affected with PALB2-related conditions. This variant is not present in population databases (gnomAD no frequency). This sequence change creates a premature translational stop signal (p.Glu1002Lysfs*5) in the PALB2 gene. It is expected to result in an absent or disrupted protein product. Loss-of-function variants in PALB2 are known to be pathogenic (PMID: 17200668, 17200671, 17200672, 24136930, 25099575).

Literature cited by the submitters: PubMed 17200668 (cited by Labcorp Genetics (formerly Invitae), Labcorp); PubMed 17200671 (cited by Labcorp Genetics (formerly Invitae), Labcorp); PubMed 17200672 (cited by Labcorp Genetics (formerly Invitae), Labcorp); PubMed 24136930 (cited by Labcorp Genetics (formerly Invitae), Labcorp); PubMed 25099575 (cited by Labcorp Genetics (formerly Invitae), Labcorp).